The following is an entry in ClinVar:

NM_001849.4(COL6A2):c.1463C>T (p.Ser488Phe)

Gene: COL6A2 (collagen type VI alpha 2 chain; plus strand). Cytogenetic location: 21q22.3.
Variant type: single nucleotide variant.
Coding change: c.1463C>T on transcript NM_001849.4 (MANE Select); coding-DNA position 1463, C replaced by T.
Protein change: p.Ser488Phe; replaces serine 488 with phenylalanine.
Molecular consequence: missense variant.
Genome position (GRCh38, 1-based): chr21:46,121,560, C>T. VCF-style: chr21-46121560-C-T. GRCh37 (hg19) VCF-style: chr21-47541474-C-T.
Other names: c.1463C>T, p.Ser488Phe (NM_058175.3, NM_058174.3); c.1463C>T (NM_001849.3); short protein forms S488F.
Identifiers: ClinVar variation 1017099 (VCV001017099.11), dbSNP rs755539822, ClinGen allele CA10071909.

ClinVar aggregate classification (germline): Uncertain significance. Review status: criteria provided, multiple submitters, no conflicts (2 of 4 stars). 3 submissions from 3 submitters: Uncertain significance (3). Last evaluated 2024-10-03.

Conditions:
Inborn genetic diseases. Identifiers: MedGen C0950123, MeSH D030342.
Bethlem myopathy 1A. Also called: MYOPATHY, BENIGN CONGENITAL, WITH CONTRACTURES; Bethlem Muscular Dystrophy; Bethlem myopathy 1. Identifiers: Orphanet 610, MedGen CN029274, MONDO:0024530, OMIM 158810.

Allele frequency attached by ClinVar (database versions not stated): gnomAD exomes below 0.00001; ExAC 0.00001; gnomAD 0.00001; TOPMed 0.00001.

Submissions (3):

Labcorp Genetics (formerly Invitae), Labcorp
Classification: Uncertain significance for Bethlem myopathy 1A. Last evaluated: 2024-10-03. Review status: criteria provided, single submitter. Criteria: Invitae Variant Classification Sherloc (09022015). Collection method: clinical testing. Allele origin: germline.
Comment: This sequence change replaces serine, which is neutral and polar, with phenylalanine, which is neutral and non-polar, at codon 488 of the COL6A2 protein (p.Ser488Phe). This variant is present in population databases (rs755539822, gnomAD 0.002%). This variant has not been reported in the literature in individuals affected with COL6A2-related conditions. ClinVar contains an entry for this variant (Variation ID: 1017099). Invitae Evidence Modeling of protein sequence and biophysical properties (such as structural, functional, and spatial information, amino acid conservation, physicochemical variation, residue mobility, and thermodynamic stability) indicates that this missense variant is expected to disrupt COL6A2 protein function with a positive predictive value of 80%. In summary, the available evidence is currently insufficient to determine the role of this variant in disease. Therefore, it has been classified as a Variant of Uncertain Significance.

Blueprint Genetics
Classification: Uncertain significance. Last evaluated: 2022-11-01. Review status: criteria provided, single submitter. Criteria: ACMG Guidelines, 2015. Collection method: clinical testing. Allele origin: germline.

Ambry Genetics
Classification: Uncertain significance for Inborn genetic diseases. Last evaluated: 2021-10-29. Review status: criteria provided, single submitter. Criteria: Ambry Variant Classification Scheme 2023. Collection method: clinical testing. Allele origin: germline.